The following is an entry in ClinVar:

NM_182972.3(IRF2BP2):c.148G>A (p.Glu50Lys)

Gene: IRF2BP2 (interferon regulatory factor 2 binding protein 2; minus strand). Cytogenetic location: 1q42.3.
Variant type: single nucleotide variant.
Coding change: c.148G>A on transcript NM_182972.3 (MANE Select); coding-DNA position 148, G replaced by A.
Protein change: p.Glu50Lys; replaces glutamic acid 50 with lysine.
Molecular consequence: missense variant.
Genome position (GRCh38, 1-based): chr1:234,609,347, C>T on the plus strand (G>A on the coding strand, the complement: IRF2BP2 is on the minus strand). VCF-style: chr1-234609347-C-T. GRCh37 (hg19) VCF-style: chr1-234745093-C-T.
Other names: c.148G>A, p.Glu50Lys (NM_001077397.1); short protein forms E50K.
Identifiers: ClinVar variation 4725872 (VCV004725872.1).

ClinVar aggregate classification (germline): Uncertain significance (1 of 4 stars; one submission).

Submission:

Labcorp Genetics (formerly Invitae), Labcorp
Classification: Uncertain significance. Last evaluated: 2025-08-22. Review status: criteria provided, single submitter. Criteria: Invitae Variant Classification Sherloc (09022015). Collection method: clinical testing. Allele origin: germline.
Comment: This sequence change replaces glutamic acid, which is acidic and polar, with lysine, which is basic and polar, at codon 50 of the IRF2BP2 protein (p.Glu50Lys). This variant is not present in population databases (gnomAD no frequency). This variant has not been reported in the literature in individuals affected with IRF2BP2-related conditions. An algorithm developed to predict the effect of missense changes on protein structure and function (PolyPhen-2) suggests that this variant is likely to be disruptive. In summary, the available evidence is currently insufficient to determine the role of this variant in disease. Therefore, it has been classified as a Variant of Uncertain Significance.